The following is an entry in ClinVar:

ClinVar aggregate classification (germline): Benign/Likely benign. Review status: criteria provided, multiple submitters, no conflicts (2 of 4 stars). 5 submissions from 5 submitters: Benign (1); Likely benign (4). Last evaluated 2024-10-16.

Conditions:
Hereditary cancer-predisposing syndrome. Also called: Tumor predisposition; Neoplastic Syndromes, Hereditary; Hereditary neoplastic syndrome; Hereditary Cancer Syndrome. Identifiers: Orphanet 140162, MedGen C0027672, MeSH D009386, MONDO:0015356.
Breast and/or ovarian cancer. Identifiers: MedGen CN221562.
Familial cancer of breast. Also called: Hereditary breast cancer; hereditary breast carcinoma; BREAST CANCER, FAMILIAL. Identifiers: Orphanet 227535, MedGen C0346153, MONDO:0016419, OMIM 114480. Disease mechanism: loss of function.
Ataxia-telangiectasia syndrome (AT). Also called: Ataxia-telangiectasia, complementation group D; AT, COMPLEMENTATION GROUP C; ATAXIA-TELANGIECTASIA, COMPLEMENTATION GROUP A; ATAXIA-TELANGIECTASIA, FRESNO VARIANT; Ataxia-telangiectasia; Ataxia telangiectasia (A-T). Identifiers: Orphanet 100, MedGen C0004135, MONDO:0008840, OMIM 208900.

Submissions (5):

Labcorp Genetics (formerly Invitae), Labcorp
Classification: Likely benign for Ataxia-telangiectasia syndrome. Last evaluated: 2024-10-16. Review status: criteria provided, single submitter. Criteria: Invitae Variant Classification Sherloc (09022015). Collection method: clinical testing. Allele origin: germline.

Ambry Genetics
Classification: Likely benign for Hereditary cancer-predisposing syndrome. Last evaluated: 2024-09-09. Review status: criteria provided, single submitter. Criteria: Ambry Variant Classification Scheme 2023. Collection method: clinical testing. Allele origin: germline.

Myriad Genetics, Inc.
Classification: Benign for Familial cancer of breast. Last evaluated: 2024-06-17. Review status: criteria provided, single submitter. Criteria: Myriad Autosomal Dominant, Autosomal Recessive and X-Linked Classification Criteria (2023). Collection method: clinical testing. Allele origin: unknown.
Comment: This variant is considered benign. This variant is a silent/synonymous amino acid change and it is not expected to impact splicing.

CHEO Genetics Diagnostic Laboratory, Children's Hospital of Eastern Ontario
Classification: Likely benign for Breast and/or ovarian cancer. Last evaluated: 2020-03-27. Review status: criteria provided, single submitter. Criteria: ACMG Guidelines, 2015. Collection method: clinical testing. Allele origin: germline.

Color Diagnostics, LLC DBA Color Health
Classification: Likely benign for Hereditary cancer-predisposing syndrome. Last evaluated: 2019-11-25. Review status: criteria provided, single submitter. Criteria: ACMG Guidelines, 2015. Collection method: clinical testing. Allele origin: germline.

NM_000051.4(ATM):c.7899A>G (p.Leu2633=)

Genes: ATM (ATM serine/threonine kinase; plus strand), C11orf65 (chromosome 11 open reading frame 65; minus strand). Cytogenetic location: 11q22.3.
Variant type: single nucleotide variant.
Coding change: c.7899A>G on transcript NM_000051.4 (MANE Select); coding-DNA position 7899, A replaced by G.
Protein change: p.Leu2633=; no amino-acid change (leucine 2633 retained).
Molecular consequence: synonymous variant. On other transcripts: intron variant (2).
Genome position (GRCh38, 1-based): chr11:108,332,872, A>G. VCF-style: chr11-108332872-A-G. GRCh37 (hg19) VCF-style: chr11-108203599-A-G.
Other names: c.7899A>G, p.Leu2633= (NM_001351834.2); c.641-23801T>C (NM_001330368.2); c.*38+2348T>C (NM_001351110.2).
Identifiers: ClinVar variation 925100 (VCV000925100.15), dbSNP rs2086426925, ClinGen allele CA476677451.